The following is an entry in ClinVar:

NM_025114.4(CEP290):c.3517C>A (p.Gln1173Lys)

Gene: CEP290 (centrosomal protein 290; minus strand). Cytogenetic location: 12q21.32.
Variant type: single nucleotide variant.
Coding change: c.3517C>A on transcript NM_025114.4 (MANE Select); coding-DNA position 3517, C replaced by A.
Protein change: p.Gln1173Lys; replaces glutamine 1173 with lysine.
Molecular consequence: missense variant.
Genome position (GRCh38, 1-based): chr12:88,090,784, G>T on the plus strand (C>A on the coding strand, the complement: CEP290 is on the minus strand). VCF-style: chr12-88090784-G-T. GRCh37 (hg19) VCF-style: chr12-88484561-G-T.
Other names: short protein forms Q1173K.
Identifiers: ClinVar variation 2149935 (VCV002149935.7), dbSNP rs776053422, ClinGen allele CA6712126.
Genomic context (GRCh38, chr12:88,090,784, plus strand): 5'-ATACCTGATAGTCTAGCAGTTGCATTCTGAGGGACTCTACTTCCTTGTCCCTAGATTGTT[G>T]TTGTGCATTCAAAATTTCAACTTGTCTTCTGGCAATATCAGAAATCTCTCTCAGTCTAGG-3'
Protein context (NP_079390.3, residues 1163-1183): RRQVEILNAQ[Gln1173Lys]QSRDKEVESL

ClinVar aggregate classification (germline): Uncertain significance. Review status: criteria provided, multiple submitters, no conflicts (2 of 4 stars). 5 submissions from 5 submitters: Uncertain significance (4). 1 of the submissions does not count toward it. Last evaluated 2025-01-13.

Conditions:
CEP290-related disorder. Also called: CEP290-related condition; CEP290-related disorders. Identifiers: MedGen CN239314.
Meckel-Gruber syndrome. Also called: GRUBER SYNDROME; DYSENCEPHALIA SPLANCHNOCYSTICA; Dysencephalia splachnocystica. Identifiers: Orphanet 564, MedGen C0265215, MONDO:0018921.
Nephronophthisis. Also called: Juvenile Nephronophthisis. Identifiers: Orphanet 655, MedGen C0687120, MONDO:0019005, HP:0000090.
Joubert syndrome. Also called: JOUBERT-BOLTSHAUSER SYNDROME; Familial aplasia of the vermis. Identifiers: Orphanet 475, MedGen C5979921, MONDO:0018772.
Bardet-Biedl syndrome 14 (BBS14). Identifiers: Orphanet 110, MedGen C2673874, MONDO:0014442, OMIM 615991.
Senior-Loken syndrome 6 (SLSN6). Identifiers: Orphanet 3156, MedGen C1857779, MONDO:0012433, OMIM 610189.
Leber congenital amaurosis 10 (LCA10). Identifiers: Orphanet 65, MedGen C1857821, MONDO:0012723, OMIM 611755.
Meckel syndrome, type 4 (MKS4). Also called: MECKEL-GRUBER SYNDROME, TYPE 4. Identifiers: Orphanet 564, MedGen C1970161, MONDO:0012626, OMIM 611134.
Joubert syndrome 5 (JBTS5). Identifiers: Orphanet 2318, MedGen C1857780, MONDO:0012432, OMIM 610188.

Allele frequency attached by ClinVar (database versions not stated): ExAC 0.00004; gnomAD 0.00004; gnomAD exomes 0.00004; TOPMed 0.00011.
gnomAD v4.1: 66 of 1,562,836 alleles (0.0042%); highest among the groups gnomAD compares: Admixed American, 0.023%; no homozygotes.

Submissions (5):

Labcorp Genetics (formerly Invitae), Labcorp
Classification: Uncertain significance for Joubert syndrome; Meckel-Gruber syndrome; Nephronophthisis. Last evaluated: 2025-01-13. Review status: criteria provided, single submitter. Criteria: Invitae Variant Classification Sherloc (09022015). Collection method: clinical testing. Allele origin: germline.
Comment: This sequence change replaces glutamine, which is neutral and polar, with lysine, which is basic and polar, at codon 1173 of the CEP290 protein (p.Gln1173Lys). This variant is present in population databases (rs776053422, gnomAD 0.03%). This missense change has been observed in individual(s) with clinical features of CEP290-related conditions (PMID: 30190494, 36580738). ClinVar contains an entry for this variant (Variation ID: 2149935). Invitae Evidence Modeling of protein sequence and biophysical properties (such as structural, functional, and spatial information, amino acid conservation, physicochemical variation, residue mobility, and thermodynamic stability) indicates that this missense variant is expected to disrupt CEP290 protein function with a positive predictive value of 80%. In summary, the available evidence is currently insufficient to determine the role of this variant in disease. Therefore, it has been classified as a Variant of Uncertain Significance.

GeneDx
Classification: Uncertain significance. Last evaluated: 2024-05-23. Review status: criteria provided, single submitter. Criteria: GeneDx Variant Classification Process June 2021. Collection method: clinical testing. Allele origin: germline. Affected: yes.
Comment: Reported previously as a heterozygous variant in a patient with retinitis pigmentosa; however, no further clinical or segregation information was provided (PMID: 28157192); In silico analysis indicates that this missense variant does not alter protein structure/function; This variant is associated with the following publications: (PMID: 30190494, 36580738, 28157192)

Fulgent Genetics
Classification: Uncertain significance for Joubert syndrome 5; Senior-Loken syndrome 6; Meckel syndrome, type 4; Leber congenital amaurosis 10; Bardet-Biedl syndrome 14. Last evaluated: 2024-01-05. Review status: criteria provided, single submitter. Criteria: ACMG Guidelines, 2015. Collection method: clinical testing. Allele origin: germline.

Blueprint Genetics
Classification: Uncertain significance. Last evaluated: 2023-05-02. Review status: criteria provided, single submitter. Criteria: ACMG Guidelines, 2015. Collection method: clinical testing. Allele origin: germline.

PreventionGenetics, part of Exact Sciences
Classification: Uncertain significance for CEP290-related condition. Last evaluated: 2024-08-12. Review status: no assertion criteria provided. Collection method: clinical testing. Allele origin: germline. Not counted in ClinVar's aggregate classification.
Comment: The CEP290 c.3517C>A variant is predicted to result in the amino acid substitution p.Gln1173Lys. This variant has been reported in the absence of a second CEP290 variant in an individual with retinitis pigmentosa (Table S2, Bravo-Gil et al. 2017. PubMed ID: 28157192) and in the compound heterozygous state with a frameshift variant in an individual with Leber congenital amaurosis (Aksu Uzunhan et al. 2022. PubMed ID: 36580738). This variant is reported in 0.034% of alleles in individuals of Latino descent in gnomAD. Although we suspect that this variant may be pathogenic, at this time, the clinical significance of this variant is uncertain due to the absence of conclusive functional and genetic evidence.

Literature cited by the submitters: PubMed 30190494 (cited by Labcorp Genetics (formerly Invitae), Labcorp); PubMed 36580738 (cited by Labcorp Genetics (formerly Invitae), Labcorp).